The following is an entry in ClinVar:

NM_001082486.2(ACD):c.152C>T (p.Thr51Met)

Gene: ACD (ACD shelterin complex subunit and telomerase recruitment factor; minus strand). Cytogenetic location: 16q22.1.
Variant type: single nucleotide variant.
Coding change: c.152C>T on transcript NM_001082486.2 (MANE Select); coding-DNA position 152, C replaced by T.
Protein change: p.Thr51Met; replaces threonine 51 with methionine.
Molecular consequence: missense variant.
Genome position (GRCh38, 1-based): chr16:67,659,993, G>A on the plus strand (C>T on the coding strand, the complement: ACD is on the minus strand). VCF-style: chr16-67659993-G-A. GRCh37 (hg19) VCF-style: chr16-67693896-G-A.
Other names: c.152C>T, p.Thr51Met (NM_001410884.1); c.143C>T, p.Thr48Met (NM_022914.3); short protein forms T48M, T51M.
Identifiers: ClinVar variation 2447155 (VCV002447155.2), dbSNP rs2543610484, ClinGen allele CA396356842.
Genomic context (GRCh38, chr16:67,659,993, plus strand): 5'-ACCAGGCATCGGACACTGTGGGTCCCGTCAGACACAAGCAGCGTGGCCCCGACGTCGGAC[G>A]TATCAGGGGCGTGGGATGGGCCCGCGACCGCGGCCTCGGCGTCCTGTAGTACCTGACGGC-3'
Protein context (NP_001075955.2, residues 41-61): AVAGPSHAPD[Thr51Met]SDVGATLLVS

ClinVar aggregate classification (germline): Uncertain significance (1 of 4 stars; one submission).

Conditions:
Inborn genetic diseases. Identifiers: MedGen C0950123, MeSH D030342.

Allele frequency attached by ClinVar (database versions not stated): gnomAD exomes below 0.00001.
gnomAD v4.1: 1 of 1,608,532 alleles (0.000062%); highest among the groups gnomAD compares: Non-Finnish European, 0.000085%; no homozygotes.

Submission:

Ambry Genetics
Classification: Uncertain significance for Inborn genetic diseases. Last evaluated: 2023-03-02. Review status: criteria provided, single submitter. Criteria: Ambry Variant Classification Scheme 2023. Collection method: clinical testing. Allele origin: germline.
Comment: The p.T137M variant (also known as c.410C>T), located in coding exon 2 of the ACD gene, results from a C to T substitution at nucleotide position 410. The threonine at codon 137 is replaced by methionine, an amino acid with similar properties. This amino acid position is conserved. In addition, this alteration is predicted to be tolerated by in silico analysis. Since supporting evidence is limited at this time, the clinical significance of this alteration remains unclear.